The following is an entry in ClinVar:

ClinVar aggregate classification (germline): Likely pathogenic. Review status: criteria provided, multiple submitters, no conflicts (2 of 4 stars). 2 submissions from 2 submitters: Likely pathogenic (2). Last evaluated 2026-01-06.

Conditions:
Early onset severe obesity. Identifiers: MedGen C4013980.

Submissions (2):

Cambridge Genomics Laboratory, East Genomic Laboratory Hub, NHS Genomic Medicine Service
Classification: Likely pathogenic for Severe early-onset obesity. Last evaluated: 2026-01-06. Review status: criteria provided, single submitter. Criteria: ACGS Best Practice Guidelines for Variant Classification in Rare Disease 2020. Collection method: clinical testing. Allele origin: germline. Affected: yes.
Comment: PVS1_Strong,PM2,PM3_Supporting

Labcorp Genetics (formerly Invitae), Labcorp
Classification: Likely pathogenic. Last evaluated: 2022-02-28. Review status: criteria provided, single submitter. Criteria: Invitae Variant Classification Sherloc (09022015). Collection method: clinical testing. Allele origin: germline.
Comment: This sequence change affects an acceptor splice site in intron 8 of the LEPR gene. It is expected to disrupt RNA splicing. Variants that disrupt the donor or acceptor splice site typically lead to a loss of protein function (PMID: 16199547), and loss-of-function variants in LEPR are known to be pathogenic (PMID: 23616257, 24319006, 25751111). This variant is not present in population databases (gnomAD no frequency). In summary, the currently available evidence indicates that the variant is pathogenic, but additional data are needed to prove that conclusively. Therefore, this variant has been classified as Likely Pathogenic. This variant has not been reported in the literature in individuals affected with LEPR-related conditions. Algorithms developed to predict the effect of sequence changes on RNA splicing suggest that this variant may disrupt the consensus splice site.

Literature cited by the submitters: PubMed 16199547 (cited by Labcorp Genetics (formerly Invitae), Labcorp); PubMed 23616257 (cited by Labcorp Genetics (formerly Invitae), Labcorp); PubMed 24319006 (cited by Labcorp Genetics (formerly Invitae), Labcorp); PubMed 25751111 (cited by Labcorp Genetics (formerly Invitae), Labcorp).

NM_002303.6(LEPR):c.995-2A>G

Gene: LEPR (leptin receptor; plus strand). Cytogenetic location: 1p31.3.
Variant type: single nucleotide variant.
Coding change: c.995-2A>G on transcript NM_002303.6 (MANE Select); the canonical splice acceptor site of the intron before coding-DNA position 995, A replaced by G.
Molecular consequence: splice acceptor variant.
Genome position (GRCh38, 1-based): chr1:65,601,390, A>G. VCF-style: chr1-65601390-A-G. GRCh37 (hg19) VCF-style: chr1-66067073-A-G.
Other names: c.995-2A>G (NM_001003679.3, NM_001003680.3, NM_001198689.2 and 2 more transcripts).
Identifiers: ClinVar variation 1525833 (VCV001525833.7), dbSNP rs2100932956, ClinGen allele CA340680716.